The following is an entry in ClinVar:

NR_003051.4(RMRP):n.122A>G

Gene: RMRP (RNA component of mitochondrial RNA processing endoribonuclease; minus strand). Cytogenetic location: 9p13.3.
Variant type: single nucleotide variant.
Genome position: GRCh38 VCF-style: chr9-35657898-T-C. GRCh37 (hg19) VCF-style: chr9-35657895-T-C.
Identifiers: ClinVar variation 971631 (VCV000971631.5), dbSNP rs557578605, ClinGen allele CA464450759.

ClinVar aggregate classification (germline): Uncertain significance. Review status: criteria provided, multiple submitters, no conflicts (2 of 4 stars). 3 submissions from 3 submitters: Uncertain significance (2). 1 of the submissions does not count toward it. Last evaluated 2024-09-05.

Conditions:
Metaphyseal chondrodysplasia, McKusick type (CHH). Also called: Cartilage-Hair Hypoplasia (CHH); Cartilage-hair hypoplasia. Identifiers: Orphanet 175, MedGen C0220748, MONDO:0009595, OMIM 250250.
Anauxetic dysplasia. Identifiers: Orphanet 93347, MedGen C1846796, MONDO:0011773.

Allele frequency attached by ClinVar (database versions not stated): gnomAD exomes 0.00002; TOPMed 0.00003.
gnomAD v4.1: 28 of 697,626 alleles (0.004%); highest among the groups gnomAD compares: East Asian, 0.008%; no homozygotes.

Submissions (3):

Blueprint Genetics
Classification: Uncertain significance. Last evaluated: 2024-09-05. Review status: criteria provided, single submitter. Criteria: ACMG Guidelines, 2015. Collection method: clinical testing. Allele origin: germline.

Labcorp Genetics (formerly Invitae), Labcorp
Classification: Uncertain significance for Anauxetic dysplasia. Last evaluated: 2022-07-25. Review status: criteria provided, single submitter. Criteria: Invitae Variant Classification Sherloc (09022015). Collection method: clinical testing. Allele origin: germline.
Comment: This variant occurs in the RMRP gene, which encodes an RNA molecule that does not result in a protein product. This variant is present in population databases (no rsID available, gnomAD 0.007%). This variant has not been reported in the literature in individuals affected with RMRP-related conditions. ClinVar contains an entry for this variant (Variation ID: 971631). Experimental studies and prediction algorithms are not available or were not evaluated, and the functional significance of this variant is currently unknown. In summary, the available evidence is currently insufficient to determine the role of this variant in disease. Therefore, it has been classified as a Variant of Uncertain Significance.

Natera, Inc.
Classification: Uncertain significance for Cartilage-hair hypoplasia. Last evaluated: 2020-01-17. Review status: no assertion criteria provided. Collection method: clinical testing. Allele origin: germline. Not counted in ClinVar's aggregate classification.